The following is an entry in ClinVar:

ClinVar aggregate classification (germline): Likely benign. Review status: criteria provided, single submitter (1 of 4 stars). 2 submissions from 2 submitters: Likely benign (1). 1 of the submissions does not count toward it. Last evaluated 2025-12-16.

Conditions:
CD81-related disorder. Also called: CD81-related condition.

Allele frequency attached by ClinVar (database versions not stated): ESP Exome Variant Server 0.00023; gnomAD exomes 0.00028 and 0.00046; ExAC 0.00029; TOPMed 0.00031; gnomAD 0.00032 and 0.00034.
gnomAD v4.1: 705 of 1,609,126 alleles (0.044%); highest among the groups gnomAD compares: Non-Finnish European, 0.056%; 2 homozygotes.

Submissions (2):

Labcorp Genetics (formerly Invitae), Labcorp
Classification: Likely benign. Last evaluated: 2025-12-16. Review status: criteria provided, single submitter. Criteria: Invitae Variant Classification Sherloc (09022015). Collection method: clinical testing. Allele origin: germline.

PreventionGenetics, part of Exact Sciences
Classification: Likely benign for CD81-related condition. Last evaluated: 2024-01-02. Review status: no assertion criteria provided. Collection method: clinical testing. Allele origin: germline. Not counted in ClinVar's aggregate classification.
Comment: This variant is classified as likely benign based on ACMG/AMP sequence variant interpretation guidelines (Richards et al. 2015 PMID: 25741868, with internal and published modifications).

NM_004356.4(CD81):c.273G>A (p.Leu91=)

Gene: CD81 (CD81 molecule; plus strand). Cytogenetic location: 11p15.5.
Variant type: single nucleotide variant.
Coding change: c.273G>A on transcript NM_004356.4 (MANE Select); coding-DNA position 273, G replaced by A.
Protein change: p.Leu91=; no amino-acid change (leucine 91 retained).
Molecular consequence: synonymous variant.
Genome position (GRCh38, 1-based): chr11:2,394,186, G>A. VCF-style: chr11-2394186-G-A. GRCh37 (hg19) VCF-style: chr11-2415416-G-A.
Other names: c.60G>A, p.Leu20= (NM_001297649.2).
Identifiers: ClinVar variation 725163 (VCV000725163.12), dbSNP rs372129042, ClinGen allele CA5819926.